The following is an entry in ClinVar:

ClinVar aggregate classification (germline): Uncertain significance (1 of 4 stars; one submission).

Allele frequency attached by ClinVar (database versions not stated): gnomAD 0.00002; gnomAD exomes 0.00003 and 0.00008; TOPMed 0.00003.
gnomAD v4.1: 124 of 1,614,042 alleles (0.0077%); highest among the groups gnomAD compares: Non-Finnish European, 0.0098%; no homozygotes.

Submission:

Labcorp Genetics (formerly Invitae), Labcorp
Classification: Uncertain significance. Last evaluated: 2025-01-13. Review status: criteria provided, single submitter. Criteria: Invitae Variant Classification Sherloc (09022015). Collection method: clinical testing. Allele origin: germline.
Comment: This sequence change replaces proline, which is neutral and non-polar, with alanine, which is neutral and non-polar, at codon 123 of the UNC45A protein (p.Pro123Ala). This variant is present in population databases (no rsID available, gnomAD 0.005%). This variant has not been reported in the literature in individuals affected with UNC45A-related conditions. ClinVar contains an entry for this variant (Variation ID: 1362372). Invitae Evidence Modeling of protein sequence and biophysical properties (such as structural, functional, and spatial information, amino acid conservation, physicochemical variation, residue mobility, and thermodynamic stability) indicates that this missense variant is expected to disrupt UNC45A protein function with a positive predictive value of 80%. In summary, the available evidence is currently insufficient to determine the role of this variant in disease. Therefore, it has been classified as a Variant of Uncertain Significance.

NM_018671.5(UNC45A):c.367C>G (p.Pro123Ala)

Gene: UNC45A (unc-45 myosin chaperone A; plus strand). Cytogenetic location: 15q26.1.
Variant type: single nucleotide variant.
Coding change: c.367C>G on transcript NM_018671.5 (MANE Select); coding-DNA position 367, C replaced by G.
Protein change: p.Pro123Ala; replaces proline 123 with alanine.
Molecular consequence: missense variant. On other transcripts: 5 prime UTR variant (1).
Genome position (GRCh38, 1-based): chr15:90,936,401, C>G. VCF-style: chr15-90936401-C-G. GRCh37 (hg19) VCF-style: chr15-91479631-C-G.
Other names: c.322C>G, p.Pro108Ala (NM_001039675.2, NM_001323621.2); c.367C>G, p.Pro123Ala (NM_001323619.1); c.-69C>G (NM_001323620.2); short protein forms P123A, P108A.
Identifiers: ClinVar variation 1362372 (VCV001362372.4), dbSNP rs1046628338, ClinGen allele CA274803404.